The following is an entry in ClinVar:

NM_031443.4(CCM2):c.204+2dup

Gene: CCM2 (CCM2 scaffold protein; plus strand). Cytogenetic location: 7p13.
Variant type: Duplication.
Coding change: c.204+2dup on transcript NM_031443.4 (MANE Select); the canonical splice donor site of the intron after coding-DNA position 204, one base duplicated (T; older notation c.204+2dupT).
Molecular consequence: splice donor variant. On other transcripts: intron variant (2).
Genome position (GRCh38, 1-based): chr7:45,038,428, T duplicated. VCF-style (leftmost placement, unchanged base first): chr7-45038427-G-GT. GRCh37 (hg19) VCF-style: chr7-45078026-G-GT.
Other names: c.204+2dup (NM_001363458.2, NM_001167935.2); c.31-25490dup (NM_001363459.2, NM_001167934.2); c.267+2dup (NM_001029835.2).
Identifiers: ClinVar variation 3726146 (VCV003726146.2).

ClinVar aggregate classification (germline): Uncertain significance (1 of 4 stars; one submission).

Conditions:
Cerebral cavernous malformation 2. Also called: Familial Cerebral Cavernous Malformation 2. Identifiers: Orphanet 221061, MedGen C1864041, MONDO:0011304, OMIM 603284.

Submission:

Labcorp Genetics (formerly Invitae), Labcorp
Classification: Uncertain significance for Cerebral cavernous malformation 2. Last evaluated: 2024-11-27. Review status: criteria provided, single submitter. Criteria: Invitae Variant Classification Sherloc (09022015). Collection method: clinical testing. Allele origin: germline.
Comment: This sequence change falls in intron 2 of the CCM2 gene. It does not directly change the encoded amino acid sequence of the CCM2 protein. It affects a nucleotide within the consensus splice site. This variant is not present in population databases (gnomAD no frequency). This variant has not been reported in the literature in individuals affected with CCM2-related conditions. Variants that disrupt the consensus splice site are a relatively common cause of aberrant splicing (PMID: 17576681, 9536098). Algorithms developed to predict the effect of sequence changes on RNA splicing suggest that this variant may disrupt the consensus splice site. In summary, the available evidence is currently insufficient to determine the role of this variant in disease. Therefore, it has been classified as a Variant of Uncertain Significance.

Literature cited by the submitters: PubMed 17576681; PubMed 9536098.